The following is an entry in ClinVar:

NM_001197104.2(KMT2A):c.2854G>A (p.Asp952Asn)

Gene: KMT2A (lysine methyltransferase 2A; plus strand). Cytogenetic location: 11q23.3.
Variant type: single nucleotide variant.
Coding change: c.2854G>A on transcript NM_001197104.2 (MANE Select); coding-DNA position 2854, G replaced by A.
Protein change: p.Asp952Asn; replaces aspartic acid 952 with asparagine.
Molecular consequence: missense variant.
Genome position (GRCh38, 1-based): chr11:118,474,013, G>A. VCF-style: chr11-118474013-G-A. GRCh37 (hg19) VCF-style: chr11-118344728-G-A.
Other names: c.2953G>A, p.Asp985Asn (NM_001412597.1); c.2854G>A, p.Asp952Asn (NM_005933.4); short protein forms D985N, D952N.
Identifiers: ClinVar variation 3002355 (VCV003002355.3), dbSNP rs2134272116, ClinGen allele CA382818300.

ClinVar aggregate classification (germline): Uncertain significance (1 of 4 stars; one submission).

Submission:

Labcorp Genetics (formerly Invitae), Labcorp
Classification: Uncertain significance. Last evaluated: 2023-09-14. Review status: criteria provided, single submitter. Criteria: Invitae Variant Classification Sherloc (09022015). Collection method: clinical testing. Allele origin: germline.
Comment: In summary, the available evidence is currently insufficient to determine the role of this variant in disease. Therefore, it has been classified as a Variant of Uncertain Significance. Advanced modeling of protein sequence and biophysical properties (such as structural, functional, and spatial information, amino acid conservation, physicochemical variation, residue mobility, and thermodynamic stability) has been performed at Invitae for this missense variant, however the output from this modeling did not meet the statistical confidence thresholds required to predict the impact of this variant on KMT2A protein function. This variant has not been reported in the literature in individuals affected with KMT2A-related conditions. This variant is not present in population databases (gnomAD no frequency). This sequence change replaces aspartic acid, which is acidic and polar, with asparagine, which is neutral and polar, at codon 952 of the KMT2A protein (p.Asp952Asn).